The following is an entry in ClinVar:

NM_000834.5(GRIN2B):c.1075C>T (p.His359Tyr)

Gene: GRIN2B (glutamate ionotropic receptor NMDA type subunit 2B; minus strand). Cytogenetic location: 12p13.1.
Variant type: single nucleotide variant.
Coding change: c.1075C>T on transcript NM_000834.5 (MANE Select); coding-DNA position 1075, C replaced by T.
Protein change: p.His359Tyr; replaces histidine 359 with tyrosine.
Molecular consequence: missense variant.
Genome position (GRCh38, 1-based): chr12:13,675,795, G>A on the plus strand (C>T on the coding strand, the complement: GRIN2B is on the minus strand). VCF-style: chr12-13675795-G-A. GRCh37 (hg19) VCF-style: chr12-13828729-G-A.
Other names: c.1075C>T, p.His359Tyr (NM_001413992.1); short protein forms H359Y.
Identifiers: ClinVar variation 3377915 (VCV003377915.1).

ClinVar aggregate classification (germline): Uncertain significance (1 of 4 stars; one submission).

Submission:

GeneDx
Classification: Uncertain significance. Last evaluated: 2024-05-16. Review status: criteria provided, single submitter. Criteria: GeneDx Variant Classification Process June 2021. Collection method: clinical testing. Allele origin: germline. Affected: yes.
Comment: Not observed at significant frequency in large population cohorts (gnomAD); In silico analysis supports that this missense variant has a deleterious effect on protein structure/function; Has not been previously published as pathogenic or benign to our knowledge